The following is an entry in ClinVar:

NM_000245.4(MET):c.3340+6T>C

Gene: MET (MET proto-oncogene, receptor tyrosine kinase; plus strand). Cytogenetic location: 7q31.2.
Variant type: single nucleotide variant.
Coding change: c.3340+6T>C on transcript NM_000245.4 (MANE Select); 6 bases into the intron after coding-DNA position 3340, T replaced by C.
Molecular consequence: intron variant.
Genome position (GRCh38, 1-based): chr7:116,777,475, T>C. VCF-style: chr7-116777475-T-C. GRCh37 (hg19) VCF-style: chr7-116417529-T-C.
Other names: c.3394+6T>C (NM_001127500.3); c.2050+6T>C (NM_001324402.2).
Identifiers: ClinVar variation 1362608 (VCV001362608.6), dbSNP rs1240062915, ClinGen allele CA577217140.

ClinVar aggregate classification (germline): Uncertain significance (1 of 4 stars; one submission).

Conditions:
Renal cell carcinoma. Identifiers: Orphanet 217071, MedGen C0007134, MeSH D002292, MONDO:0005086, HP:0005584.

Allele frequency attached by ClinVar (database versions not stated): gnomAD exomes below 0.00001.
gnomAD v4.1: 2 of 1,613,398 alleles (0.00012%); highest among the groups gnomAD compares: Non-Finnish European, 0.00017%; no homozygotes.

Submission:

Labcorp Genetics (formerly Invitae), Labcorp
Classification: Uncertain significance for Renal cell carcinoma. Last evaluated: 2023-02-23. Review status: criteria provided, single submitter. Criteria: Invitae Variant Classification Sherloc (09022015). Collection method: clinical testing. Allele origin: germline.
Comment: This sequence change falls in intron 16 of the MET gene. It does not directly change the encoded amino acid sequence of the MET protein. It affects a nucleotide within the consensus splice site. This variant is present in population databases (no rsID available, gnomAD 0.0009%). This variant has not been reported in the literature in individuals affected with MET-related conditions. ClinVar contains an entry for this variant (Variation ID: 1362608). Variants that disrupt the consensus splice site are a relatively common cause of aberrant splicing (PMID: 17576681, 9536098). Algorithms developed to predict the effect of sequence changes on RNA splicing suggest that this variant is not likely to affect RNA splicing. In summary, the available evidence is currently insufficient to determine the role of this variant in disease. Therefore, it has been classified as a Variant of Uncertain Significance.

Literature cited by the submitters: PubMed 17576681; PubMed 9536098.